The following is an entry in ClinVar:

ClinVar aggregate classification (germline): Uncertain significance (1 of 4 stars; one submission).

Submission:

GeneDx
Classification: Uncertain significance. Last evaluated: 2021-04-19. Review status: criteria provided, single submitter. Criteria: GeneDx Variant Classification Process June 2021. Collection method: clinical testing. Allele origin: germline. Affected: yes.
Comment: Not observed in large population cohorts (Lek et al., 2016); In silico analysis supports that this missense variant has a deleterious effect on protein structure/function; Has not been previously published as pathogenic or benign to our knowledge

NM_001200.4(BMP2):c.329G>A (p.Arg110His)

Gene: BMP2 (bone morphogenetic protein 2; plus strand). Cytogenetic location: 20p12.3.
Variant type: single nucleotide variant.
Coding change: c.329G>A on transcript NM_001200.4 (MANE Select); coding-DNA position 329, G replaced by A.
Protein change: p.Arg110His; replaces arginine 110 with histidine.
Molecular consequence: missense variant.
Genome position (GRCh38, 1-based): chr20:6,770,455, G>A. VCF-style: chr20-6770455-G-A. GRCh37 (hg19) VCF-style: chr20-6751102-G-A.
Other names: short protein forms R110H.
Identifiers: ClinVar variation 1314683 (VCV001314683.2), dbSNP rs2122376974, ClinGen allele CA408260699.